The following is an entry in ClinVar:

ClinVar aggregate classification (germline): Conflicting classifications of pathogenicity. Review status: no assertion criteria provided (0 of 4 stars). 2 submissions from 2 submitters: Uncertain significance (1); Benign (1). Last evaluated 2019-04-30.

Conditions:
TOPBP1-related disorder. Also called: TOPBP1-related condition.

Allele frequency attached by ClinVar (database versions not stated): 1000 Genomes Project 0.00280; 1000 Genomes Project 30x 0.00281; gnomAD exomes 0.00329 and 0.00627; TOPMed 0.00348; gnomAD 0.00396 and 0.00411; ExAC 0.00400; ESP Exome Variant Server 0.00512.
gnomAD v4.1: 9,538 of 1,599,036 alleles (0.6%); highest among the groups gnomAD compares: Non-Finnish European, 0.77%; 29 homozygotes.

Submissions (2):

PreventionGenetics, part of Exact Sciences
Classification: Benign for TOPBP1-related condition. Last evaluated: 2019-04-30. Review status: no assertion criteria provided. Collection method: clinical testing. Allele origin: germline.
Comment: This variant is classified as benign based on ACMG/AMP sequence variant interpretation guidelines (Richards et al. 2015 PMID: 25741868, with internal and published modifications).

Department of Pathology and Laboratory Medicine, Sinai Health System
Classification: Uncertain significance. Review status: no assertion criteria provided. Collection method: clinical testing. Allele origin: unknown. Affected: yes. Study: The Canadian Open Genetics Repository (COGR).

NM_007027.4(TOPBP1):c.3371+9C>T

Gene: TOPBP1 (DNA topoisomerase II binding protein 1; minus strand). Cytogenetic location: 3q22.1.
Variant type: single nucleotide variant.
Coding change: c.3371+9C>T on transcript NM_007027.4 (MANE Select); 9 bases into the intron after coding-DNA position 3371, C replaced by T.
Molecular consequence: intron variant.
Genome position (GRCh38, 1-based): chr3:133,620,146, G>A on the plus strand (C>T on the coding strand, the complement: TOPBP1 is on the minus strand). VCF-style: chr3-133620146-G-A. GRCh37 (hg19) VCF-style: chr3-133338990-G-A.
Other names: c.3356+9C>T (NM_001363889.2); c.3371+9C>T (NM_007027.3).
Identifiers: ClinVar variation 1050525 (VCV001050525.3), dbSNP rs138529143, ClinGen allele CA2624013.
Genomic context (GRCh38, chr3:133,620,146, plus strand): 5'-CAGCAGCAGGTACGTAAATCCTTTCTCTCAAGTCATCTAGTCTTTCTGCCATCAGTGACA[G>A]GTACACACCTCAGTGCCTCTAGGACTCTACTTCGTCCACTGCGAGCAGAGCGAGTGCTGT-3'